The following is an entry in ClinVar:

ClinVar aggregate classification (germline): Uncertain significance (1 of 4 stars; one submission).

Conditions:
SEMA3F-related disorder. Also called: SEMA3F-related condition.

gnomAD v4.1: 1 of 1,613,120 alleles (0.000062%); highest among the groups gnomAD compares: Non-Finnish European, 0.000085%; no homozygotes.

Submission:

PreventionGenetics, part of Exact Sciences
Classification: Uncertain significance for SEMA3F-related condition. Last evaluated: 2026-03-31. Review status: criteria provided, single submitter. Criteria: ACMG Guidelines, 2015. Collection method: clinical testing. Allele origin: germline.
Comment: The SEMA3F c.875T>C variant is predicted to result in the amino acid substitution p.Val292Ala. To our knowledge, this variant has not been reported in the literature or in a large population database (gnomAD), indicating this variant is rare. At this time, the clinical significance of this variant is uncertain due to the absence of conclusive functional and genetic evidence.

NM_004186.5(SEMA3F):c.875T>C (p.Val292Ala)

Gene: SEMA3F (semaphorin 3F; plus strand). Cytogenetic location: 3p21.31.
Variant type: single nucleotide variant.
Coding change: c.875T>C on transcript NM_004186.5 (MANE Select); coding-DNA position 875, T replaced by C.
Protein change: p.Val292Ala; replaces valine 292 with alanine.
Molecular consequence: missense variant.
Genome position (GRCh38, 1-based): chr3:50,182,755, T>C. VCF-style: chr3-50182755-T-C. GRCh37 (hg19) VCF-style: chr3-50220188-T-C.
Other names: c.578T>C, p.Val193Ala (NM_001318798.2); c.782T>C, p.Val261Ala (NM_001318800.2); short protein forms V292A, V193A, V261A.
Identifiers: ClinVar variation 4996254 (VCV004996254.1).
Genomic context (GRCh38, chr3:50,182,755, plus strand): 5'-ATGATAAGCTTTACTTCTTCTTCCGTGAGCGGTCGGCAGAGGCGCCGCAGAGCCCCGCGG[T>C]GTACGCCCGCATCGGGCGCATTTGCCTGGTATGCATTGGCAGAGCCACCAGGCTGCCCCT-3'
Protein context (NP_004177.3, residues 282-302): RSAEAPQSPA[Val292Ala]YARIGRICLN